The following is an entry in ClinVar:

ClinVar aggregate classification (germline): Likely benign (1 of 4 stars; one submission).

Submission:

CeGaT Center for Human Genetics Tuebingen
Classification: Likely benign. Last evaluated: 2025-04-01. Review status: criteria provided, single submitter. Criteria: CeGaT Center For Human Genetics Tuebingen Variant Classification Criteria Version 2. Collection method: clinical testing. Allele origin: germline. Affected: yes. Observed: 1 variant allele.
Comment: LILRA3: PM2:Supporting, BP4, BP7

NM_006865.5(LILRA3):c.606G>A (p.Ser202=)

Gene: LILRA3 (leukocyte immunoglobulin like receptor A3; minus strand). Cytogenetic location: 19q13.42.
Variant type: single nucleotide variant.
Coding change: c.606G>A on transcript NM_006865.5 (MANE Select); coding-DNA position 606, G replaced by A.
Protein change: p.Ser202=; no amino-acid change (serine 202 retained).
Molecular consequence: synonymous variant. On other transcripts: intron variant (1).
Genome position (GRCh38, 1-based): chr19:274,185, C>T on the plus strand (G>A on the coding strand, the complement: LILRA3 is on the minus strand). VCF-style: chr19-274185-C-T. GRCh37 (hg19) VCF-style: chr19-54803071-C-T.
Other names: c.469+137G>A (NM_001172654.2).
Identifiers: ClinVar variation 3778023 (VCV003778023.4).